The following is an entry in ClinVar:

NM_016222.4(DDX41):c.1230+8G>A

Gene: DDX41 (DEAD-box helicase 41; minus strand). Cytogenetic location: 5q35.3.
Variant type: single nucleotide variant.
Coding change: c.1230+8G>A on transcript NM_016222.4 (MANE Select); 8 bases into the intron after coding-DNA position 1230, G replaced by A.
Molecular consequence: intron variant.
Genome position (GRCh38, 1-based): chr5:177,513,345, C>T on the plus strand (G>A on the coding strand, the complement: DDX41 is on the minus strand). VCF-style: chr5-177513345-C-T. GRCh37 (hg19) VCF-style: chr5-176940346-C-T.
Other names: c.852+8G>A (NM_001321830.2, NM_001321732.2).
Identifiers: ClinVar variation 3053414 (VCV003053414.3), dbSNP rs1761067671, ClinGen allele CA1603612646.
Genomic context (GRCh38, chr5:177,513,345, plus strand): 5'-GCTTCAGGGAGACTTGTCAGATCCAGCCCCCACAGGTGAGAGACCGCCCATCAGGAGCAC[C>T]TGCCCACCTGGATGACATCCAGGCTGGCAGCCCCAGCGCGCCCCACATTGATGGTCACAG-3'

ClinVar aggregate classification (germline): Likely benign. Review status: criteria provided, single submitter (1 of 4 stars). 2 submissions from 2 submitters: Likely benign (1). 1 of the submissions does not count toward it. Last evaluated 2025-10-06.

Conditions:
DDX41-related disorder. Also called: DDX41-related condition.

Allele frequency attached by ClinVar (database versions not stated): TOPMed 0.00001.
gnomAD v4.1: 2 of 1,614,084 alleles (0.00012%); highest among the groups gnomAD compares: Admixed American, 0.0017%; no homozygotes.

Submissions (2):

Labcorp Genetics (formerly Invitae), Labcorp
Classification: Likely benign. Last evaluated: 2025-10-06. Review status: criteria provided, single submitter. Criteria: Invitae Variant Classification Sherloc (09022015). Collection method: clinical testing. Allele origin: germline.

PreventionGenetics, part of Exact Sciences
Classification: Likely benign for DDX41-related condition. Last evaluated: 2022-03-25. Review status: no assertion criteria provided. Collection method: clinical testing. Allele origin: germline. Not counted in ClinVar's aggregate classification.
Comment: This variant is classified as likely benign based on ACMG/AMP sequence variant interpretation guidelines (Richards et al. 2015 PMID: 25741868, with internal and published modifications).